The following is an entry in ClinVar:

NM_005188.4(CBL):c.1436A>T (p.Glu479Val)

Gene: CBL (Cbl proto-oncogene; plus strand). Cytogenetic location: 11q23.3.
Variant type: single nucleotide variant.
Coding change: c.1436A>T on transcript NM_005188.4 (MANE Select); coding-DNA position 1436, A replaced by T.
Protein change: p.Glu479Val; replaces glutamic acid 479 with valine.
Molecular consequence: missense variant.
Genome position (GRCh38, 1-based): chr11:119,284,973, A>T. VCF-style: chr11-119284973-A-T. GRCh37 (hg19) VCF-style: chr11-119155683-A-T.
Other names: c.1436A>T (NM_005188.2); short protein forms E479V.
Identifiers: ClinVar variation 2082354 (VCV002082354.6), dbSNP rs1005648171, ClinGen allele CA229641772.

ClinVar aggregate classification (germline): Uncertain significance. Review status: criteria provided, multiple submitters, no conflicts (2 of 4 stars). 2 submissions from 2 submitters: Uncertain significance (2). Last evaluated 2025-11-22.

Conditions:
RASopathy. Also called: rasopathies; Noonan spectrum disorder. Identifiers: Orphanet 536391, MedGen C5555857, MONDO:0021060.
Cardiovascular phenotype. Identifiers: MedGen CN230736.

Allele frequency attached by ClinVar (database versions not stated): gnomAD exomes below 0.00001; TOPMed below 0.00001; gnomAD 0.00001.
gnomAD v4.1: 4 of 1,614,034 alleles (0.00025%); highest among the groups gnomAD compares: Non-Finnish European, 0.00025%; no homozygotes.

Submissions (2):

Ambry Genetics
Classification: Uncertain significance for Cardiovascular phenotype. Last evaluated: 2025-11-22. Review status: criteria provided, single submitter. Criteria: Ambry Variant Classification Scheme 2023. Collection method: clinical testing. Allele origin: germline.
Comment: The p.E479V variant (also known as c.1436A>T), located in coding exon 10 of the CBL gene, results from an A to T substitution at nucleotide position 1436. The glutamic acid at codon 479 is replaced by valine, an amino acid with dissimilar properties. This amino acid position is conserved. In addition, this alteration is predicted to be deleterious by in silico analysis. Since supporting evidence is limited at this time, the clinical significance of this alteration remains unclear.

Labcorp Genetics (formerly Invitae), Labcorp
Classification: Uncertain significance for RASopathy. Last evaluated: 2024-12-04. Review status: criteria provided, single submitter. Criteria: Invitae Variant Classification Sherloc (09022015). Collection method: clinical testing. Allele origin: germline.
Comment: This sequence change replaces glutamic acid, which is acidic and polar, with valine, which is neutral and non-polar, at codon 479 of the CBL protein (p.Glu479Val). This variant is not present in population databases (gnomAD no frequency). This variant has not been reported in the literature in individuals affected with CBL-related conditions. ClinVar contains an entry for this variant (Variation ID: 2082354). Invitae Evidence Modeling of protein sequence and biophysical properties (such as structural, functional, and spatial information, amino acid conservation, physicochemical variation, residue mobility, and thermodynamic stability) has been performed for this missense variant. However, the output from this modeling did not meet the statistical confidence thresholds required to predict the impact of this variant on CBL protein function. In summary, the available evidence is currently insufficient to determine the role of this variant in disease. Therefore, it has been classified as a Variant of Uncertain Significance.